The following is an entry in ClinVar:

NM_152305.3(POGLUT1):c.257G>A (p.Gly86Glu)

Gene: POGLUT1 (protein O-glucosyltransferase 1; plus strand). Cytogenetic location: 3q13.33.
Variant type: single nucleotide variant.
Coding change: c.257G>A on transcript NM_152305.3 (MANE Select); coding-DNA position 257, G replaced by A.
Protein change: p.Gly86Glu; replaces glycine 86 with glutamic acid.
Molecular consequence: missense variant. On other transcripts: non-coding transcript variant (1).
Genome position (GRCh38, 1-based): chr3:119,471,389, G>A. VCF-style: chr3-119471389-G-A. GRCh37 (hg19) VCF-style: chr3-119190236-G-A.
Other names: c.257G>A, p.Gly86Glu (NM_020231.3); short protein forms G86E.
Identifiers: ClinVar variation 2435124 (VCV002435124.6), dbSNP rs775877723, ClinGen allele CA2554789.

ClinVar aggregate classification (germline): Uncertain significance. Review status: criteria provided, multiple submitters, no conflicts (2 of 4 stars). 2 submissions from 2 submitters: Uncertain significance (2). Last evaluated 2023-01-13.

Allele frequency attached by ClinVar (database versions not stated): gnomAD exomes below 0.00001; ExAC 0.00001.
gnomAD v4.1: 4 of 1,613,864 alleles (0.00025%); highest among the groups gnomAD compares: South Asian, 0.0033%; no homozygotes.

Submissions (2):

Labcorp Genetics (formerly Invitae), Labcorp
Classification: Uncertain significance. Last evaluated: 2023-01-13. Review status: criteria provided, single submitter. Criteria: Invitae Variant Classification Sherloc (09022015). Collection method: clinical testing. Allele origin: germline.
Comment: In summary, the available evidence is currently insufficient to determine the role of this variant in disease. Therefore, it has been classified as a Variant of Uncertain Significance. Advanced modeling of protein sequence and biophysical properties (such as structural, functional, and spatial information, amino acid conservation, physicochemical variation, residue mobility, and thermodynamic stability) performed at Invitae indicates that this missense variant is expected to disrupt POGLUT1 protein function. This variant has not been reported in the literature in individuals affected with POGLUT1-related conditions. This variant is present in population databases (rs775877723, gnomAD 0.003%). This sequence change replaces glycine, which is neutral and non-polar, with glutamic acid, which is acidic and polar, at codon 86 of the POGLUT1 protein (p.Gly86Glu).

Revvity Omics, Revvity
Classification: Uncertain significance. Last evaluated: 2019-04-24. Review status: criteria provided, single submitter. Criteria: ACMG Guidelines, 2015. Collection method: clinical testing. Allele origin: germline.